The following is an entry in ClinVar:

NM_001429.4(EP300):c.3025T>A (p.Ser1009Thr)

Genes: EP300 (EP300 lysine acetyltransferase; plus strand), LOC126863158 (BRD4-independent group 4 enhancer GRCh37_chr22:41547383-41548582; plus strand). Cytogenetic location: 22q13.2.
Variant type: single nucleotide variant.
Coding change: c.3025T>A on transcript NM_001429.4 (MANE Select); coding-DNA position 3025, T replaced by A.
Protein change: p.Ser1009Thr; replaces serine 1009 with threonine.
Molecular consequence: missense variant.
Genome position (GRCh38, 1-based): chr22:41,152,233, T>A. VCF-style: chr22-41152233-T-A. GRCh37 (hg19) VCF-style: chr22-41548237-T-A.
Other names: c.2947T>A, p.Ser983Thr (NM_001362843.2); short protein forms S1009T, S983T.
Identifiers: ClinVar variation 4814076 (VCV004814076.1).

ClinVar aggregate classification (germline): Uncertain significance (1 of 4 stars; one submission).

Conditions:
Rubinstein-Taybi syndrome due to EP300 haploinsufficiency. Also called: RUBINSTEIN-TAYBI SYNDROME 2; EP300-Related Rubinstein-Taybi Syndrome. Identifiers: Orphanet 353284, Orphanet 783, MedGen C3150941, MONDO:0013364, OMIM 613684.

gnomAD v4.1: 1 of 1,614,114 alleles (0.000062%); highest among the groups gnomAD compares: Non-Finnish European, 0.000085%; no homozygotes.

Submission:

OLLIN Analises Genomicas, OLLIN
Classification: Uncertain significance for Rubinstein-Taybi syndrome due to EP300 haploinsufficiency. Last evaluated: 2026-02-13. Review status: criteria provided, single submitter. Criteria: ACMG Guidelines 2015 PMID 25741868. Collection method: clinical testing. Allele origin: germline. Observed: 1 variant allele.
Comment: PM2_P, BP4_M